The following is an entry in ClinVar:

NM_001370259.2(MEN1):c.719T>C (p.Val240Ala)

Gene: MEN1 (menin 1; minus strand). Cytogenetic location: 11q13.1.
Variant type: single nucleotide variant.
Coding change: c.719T>C on transcript NM_001370259.2 (MANE Select); coding-DNA position 719, T replaced by C.
Protein change: p.Val240Ala; replaces valine 240 with alanine.
Molecular consequence: missense variant. On other transcripts: non-coding transcript variant (4).
Genome position (GRCh38, 1-based): chr11:64,807,616, A>G on the plus strand (T>C on the coding strand, the complement: MEN1 is on the minus strand). VCF-style: chr11-64807616-A-G. GRCh37 (hg19) VCF-style: chr11-64575088-A-G.
Other names: c.734T>C, p.Val245Ala (NM_000244.4, NM_001407145.1, NM_001407150.1 and 5 more transcripts); c.719T>C, p.Val240Ala (NM_001370251.2, NM_001370260.2, NM_001370261.2 and 7 more transcripts); c.614T>C, p.Val205Ala (NM_001370262.2, NM_001370263.2, NM_001407148.1 and 2 more transcripts); short protein forms V205A, V240A, V245A.
Identifiers: ClinVar variation 2689422 (VCV002689422.5), dbSNP rs2497205552, ClinGen allele CA381184480.

ClinVar aggregate classification (germline): Uncertain significance. Review status: criteria provided, multiple submitters, no conflicts (2 of 4 stars). 3 submissions from 3 submitters: Uncertain significance (3). Last evaluated 2025-01-06.

Conditions:
Multiple endocrine neoplasia, type 1 (MEN1). Also called: MEA I; MEN I; WERMER SYNDROME; Endocrine adenomatosis multiple; MEN 1. Identifiers: Orphanet 652, MedGen C0025267, MeSH D018761, MONDO:0007540, OMIM 131100.
Hereditary cancer-predisposing syndrome. Also called: Tumor predisposition; Hereditary neoplastic syndrome; Neoplastic Syndromes, Hereditary; Hereditary Cancer Syndrome. Identifiers: Orphanet 140162, MedGen C0027672, MeSH D009386, MONDO:0015356.

Submissions (3):

Labcorp Genetics (formerly Invitae), Labcorp
Classification: Uncertain significance for Multiple endocrine neoplasia, type 1. Last evaluated: 2025-01-06. Review status: criteria provided, single submitter. Criteria: Invitae Variant Classification Sherloc (09022015). Collection method: clinical testing. Allele origin: germline.
Comment: This sequence change replaces valine, which is neutral and non-polar, with alanine, which is neutral and non-polar, at codon 240 of the MEN1 protein (p.Val240Ala). This variant is not present in population databases (gnomAD no frequency). This variant has not been reported in the literature in individuals affected with MEN1-related conditions. ClinVar contains an entry for this variant (Variation ID: 2689422). Invitae Evidence Modeling of protein sequence and biophysical properties (such as structural, functional, and spatial information, amino acid conservation, physicochemical variation, residue mobility, and thermodynamic stability) indicates that this missense variant is expected to disrupt MEN1 protein function with a positive predictive value of 95%. In summary, the available evidence is currently insufficient to determine the role of this variant in disease. Therefore, it has been classified as a Variant of Uncertain Significance.

Ambry Genetics
Classification: Uncertain significance for Hereditary cancer-predisposing syndrome. Last evaluated: 2024-07-28. Review status: criteria provided, single submitter. Criteria: Ambry Variant Classification Scheme 2023. Collection method: clinical testing. Allele origin: germline.
Comment: The p.V240A variant (also known as c.719T>C), located in coding exon 3 of the MEN1 gene, results from a T to C substitution at nucleotide position 719. The valine at codon 240 is replaced by alanine, an amino acid with similar properties. This amino acid position is conserved. In addition, this alteration is predicted to be deleterious by in silico analysis. Based on the available evidence, the clinical significance of this variant remains unclear.

Revvity Omics, Revvity
Classification: Uncertain significance for Multiple endocrine neoplasia, type 1. Last evaluated: 2023-07-25. Review status: criteria provided, single submitter. Criteria: ACMG Guidelines, 2015. Collection method: clinical testing. Allele origin: germline.